The following is an entry in ClinVar:

ClinVar aggregate classification (germline): Uncertain significance (1 of 4 stars; one submission).

Submission:

GeneDx
Classification: Uncertain significance. Last evaluated: 2023-07-10. Review status: criteria provided, single submitter. Criteria: GeneDx Variant Classification Process June 2021. Collection method: clinical testing. Allele origin: germline. Affected: yes.
Comment: Has not been previously published as pathogenic or benign to our knowledge; Not observed at significant frequency in large population cohorts (gnomAD); In silico analysis is inconclusive as to whether the variant alters gene splicing. In the absence of RNA/functional studies, the actual effect of this sequence change is unknown.

NM_000089.4(COL1A2):c.432+3A>C

Gene: COL1A2 (collagen type I alpha 2 chain; plus strand). Cytogenetic location: 7q21.3.
Variant type: single nucleotide variant.
Coding change: c.432+3A>C on transcript NM_000089.4 (MANE Select); 3 bases into the intron after coding-DNA position 432, A replaced by C.
Molecular consequence: intron variant.
Genome position (GRCh38, 1-based): chr7:94,404,895, A>C. VCF-style: chr7-94404895-A-C. GRCh37 (hg19) VCF-style: chr7-94034207-A-C.
Identifiers: ClinVar variation 2505919 (VCV002505919.2), dbSNP rs2484700176, ClinGen allele CA2580615935.